The following is an entry in ClinVar:

NM_007186.6(CEP250):c.6256G>A (p.Glu2086Lys)

Gene: CEP250 (centrosomal protein 250; plus strand). Cytogenetic location: 20q11.22.
Variant type: single nucleotide variant.
Coding change: c.6256G>A on transcript NM_007186.6 (MANE Select); coding-DNA position 6256, G replaced by A.
Protein change: p.Glu2086Lys; replaces glutamic acid 2086 with lysine.
Molecular consequence: missense variant.
Genome position (GRCh38, 1-based): chr20:35,504,625, G>A. VCF-style: chr20-35504625-G-A. GRCh37 (hg19) VCF-style: chr20-34092453-G-A.
Other names: c.4360G>A, p.Glu1454Lys (NM_001318219.1); c.6256G>A (NM_007186.3); short protein forms E2086K, E1454K.
Identifiers: ClinVar variation 1515521 (VCV001515521.9), dbSNP rs1440375481, ClinGen allele CA408756674.

ClinVar aggregate classification (germline): Uncertain significance. Review status: criteria provided, multiple submitters, no conflicts (2 of 4 stars). 2 submissions from 2 submitters: Uncertain significance (2). Last evaluated 2025-06-29.

Allele frequency attached by ClinVar (database versions not stated): TOPMed below 0.00001.

Submissions (2):

Ambry Genetics
Classification: Uncertain significance. Last evaluated: 2025-06-29. Review status: criteria provided, single submitter. Criteria: Ambry Variant Classification Scheme 2023. Collection method: clinical testing. Allele origin: germline.

Labcorp Genetics (formerly Invitae), Labcorp
Classification: Uncertain significance. Last evaluated: 2024-10-29. Review status: criteria provided, single submitter. Criteria: Invitae Variant Classification Sherloc (09022015). Collection method: clinical testing. Allele origin: germline.
Comment: This sequence change replaces glutamic acid, which is acidic and polar, with lysine, which is basic and polar, at codon 2086 of the CEP250 protein (p.Glu2086Lys). This variant is not present in population databases (gnomAD no frequency). This variant has not been reported in the literature in individuals affected with CEP250-related conditions. ClinVar contains an entry for this variant (Variation ID: 1515521). An algorithm developed to predict the effect of missense changes on protein structure and function (PolyPhen-2) suggests that this variant is likely to be tolerated. In summary, the available evidence is currently insufficient to determine the role of this variant in disease. Therefore, it has been classified as a Variant of Uncertain Significance.